The following is an entry in ClinVar:

ClinVar aggregate classification (germline): Uncertain significance (1 of 4 stars; one submission).

Conditions:
Genitopatellar syndrome (GTPTS). Also called: Genitopatellar syndrome (GPS); ABSENT PATELLAE, SCROTAL HYPOPLASIA, RENAL ANOMALIES, FACIAL DYSMORPHISM, AND MENTAL RETARDATION. Identifiers: Orphanet 85201, MedGen C1853566, MONDO:0011640, OMIM 606170.

Allele frequency attached by ClinVar (database versions not stated): gnomAD exomes 0.00002; gnomAD 0.00003; ExAC 0.00005.
gnomAD v4.1: 30 of 1,614,052 alleles (0.0019%); highest among the groups gnomAD compares: South Asian, 0.027%; no homozygotes.

Submission:

Labcorp Genetics (formerly Invitae), Labcorp
Classification: Uncertain significance for Genitopatellar syndrome. Last evaluated: 2025-03-06. Review status: criteria provided, single submitter. Criteria: Invitae Variant Classification Sherloc (09022015). Collection method: clinical testing. Allele origin: germline.
Comment: This sequence change replaces proline, which is neutral and non-polar, with serine, which is neutral and polar, at codon 121 of the KAT6B protein (p.Pro121Ser). This variant is present in population databases (rs199812020, gnomAD 0.03%). This variant has not been reported in the literature in individuals affected with KAT6B-related conditions. ClinVar contains an entry for this variant (Variation ID: 2874234). An algorithm developed to predict the effect of missense changes on protein structure and function outputs the following: PolyPhen-2: "Benign". The serine amino acid residue is found in multiple mammalian species, which suggests that this missense change does not adversely affect protein function. In summary, the available evidence is currently insufficient to determine the role of this variant in disease. Therefore, it has been classified as a Variant of Uncertain Significance.

NM_012330.4(KAT6B):c.361C>T (p.Pro121Ser)

Gene: KAT6B (lysine acetyltransferase 6B; plus strand). Cytogenetic location: 10q22.2.
Variant type: single nucleotide variant.
Coding change: c.361C>T on transcript NM_012330.4 (MANE Select); coding-DNA position 361, C replaced by T.
Protein change: p.Pro121Ser; replaces proline 121 with serine.
Molecular consequence: missense variant. On other transcripts: 5 prime UTR variant (2).
Genome position (GRCh38, 1-based): chr10:74,843,218, C>T. VCF-style: chr10-74843218-C-T. GRCh37 (hg19) VCF-style: chr10-76602976-C-T.
Other names: c.361C>T, p.Pro121Ser (NM_001256468.2, NM_001256469.2, NM_001370132.1 and 10 more transcripts); c.-178C>T (NM_001370134.1, NM_001370135.1); short protein forms P121S.
Identifiers: ClinVar variation 2874234 (VCV002874234.3), dbSNP rs199812020, ClinGen allele CA5564202.